The following is an entry in ClinVar:

NM_014679.5(CEP57):c.163A>G (p.Ser55Gly)

Gene: CEP57 (centrosomal protein 57; plus strand). Cytogenetic location: 11q21.
Variant type: single nucleotide variant.
Coding change: c.163A>G on transcript NM_014679.5 (MANE Select); coding-DNA position 163, A replaced by G.
Protein change: p.Ser55Gly; replaces serine 55 with glycine.
Molecular consequence: missense variant.
Genome position (GRCh38, 1-based): chr11:95,799,349, A>G. VCF-style: chr11-95799349-A-G. GRCh37 (hg19) VCF-style: chr11-95532513-A-G.
Other names: c.136A>G, p.Ser46Gly (NM_001243776.2); c.163A>G, p.Ser55Gly (NM_001243777.2); c.82A>G, p.Ser28Gly (NM_001363604.2); short protein forms S46G, S55G, S28G.
Identifiers: ClinVar variation 2041053 (VCV002041053.4), dbSNP rs779205392, ClinGen allele CA6239381.

ClinVar aggregate classification (germline): Uncertain significance (1 of 4 stars; one submission).

Conditions:
Mosaic variegated aneuploidy syndrome 2 (MVA2). Identifiers: Orphanet 1052, MedGen C3279843, MONDO:0013582, OMIM 614114.

Allele frequency attached by ClinVar (database versions not stated): gnomAD exomes below 0.00001; ExAC 0.00001.

Submission:

Labcorp Genetics (formerly Invitae), Labcorp
Classification: Uncertain significance for Mosaic variegated aneuploidy syndrome 2. Last evaluated: 2022-10-25. Review status: criteria provided, single submitter. Criteria: Invitae Variant Classification Sherloc (09022015). Collection method: clinical testing. Allele origin: germline.
Comment: This sequence change replaces serine, which is neutral and polar, with glycine, which is neutral and non-polar, at codon 55 of the CEP57 protein (p.Ser55Gly). This variant is present in population databases (rs779205392, gnomAD 0.003%). This variant has not been reported in the literature in individuals affected with CEP57-related conditions. Advanced modeling of protein sequence and biophysical properties (such as structural, functional, and spatial information, amino acid conservation, physicochemical variation, residue mobility, and thermodynamic stability) performed at Invitae indicates that this missense variant is not expected to disrupt CEP57 protein function. Algorithms developed to predict the effect of sequence changes on RNA splicing suggest that this variant may disrupt the consensus splice site. In summary, the available evidence is currently insufficient to determine the role of this variant in disease. Therefore, it has been classified as a Variant of Uncertain Significance.